The following is an entry in ClinVar:

ClinVar aggregate classification (germline): Uncertain significance (1 of 4 stars; one submission).

Conditions:
Hereditary cancer-predisposing syndrome. Also called: Neoplastic Syndromes, Hereditary; Tumor predisposition; Hereditary Cancer Syndrome; Hereditary neoplastic syndrome. Identifiers: Orphanet 140162, MedGen C0027672, MeSH D009386, MONDO:0015356.

Allele frequency attached by ClinVar (database versions not stated): gnomAD exomes below 0.00001.
gnomAD v4.1: 5 of 1,613,826 alleles (0.00031%); highest among the groups gnomAD compares: Non-Finnish European, 0.00042%; no homozygotes.

Submission:

Ambry Genetics
Classification: Uncertain significance for Hereditary cancer-predisposing syndrome. Last evaluated: 2022-03-24. Review status: criteria provided, single submitter. Criteria: Ambry Variant Classification Scheme 2023. Collection method: clinical testing. Allele origin: germline.
Comment: The p.K231M variant (also known as c.692A>T), located in coding exon 7 of the FANCC gene, results from an A to T substitution at nucleotide position 692. The lysine at codon 231 is replaced by methionine, an amino acid with similar properties. This amino acid position is conserved. In addition, the in silico prediction for this alteration is inconclusive. Since supporting evidence is limited at this time, the clinical significance of this alteration remains unclear.

NM_000136.3(FANCC):c.692A>T (p.Lys231Met)

Genes: FANCC (FA complementation group C; minus strand), AOPEP (aminopeptidase O (putative); plus strand). Cytogenetic location: 9q22.32.
Variant type: single nucleotide variant.
Coding change: c.692A>T on transcript NM_000136.3 (MANE Select); coding-DNA position 692, A replaced by T.
Protein change: p.Lys231Met; replaces lysine 231 with methionine.
Molecular consequence: missense variant.
Genome position (GRCh38, 1-based): chr9:95,135,497, T>A on the plus strand (A>T on the coding strand, the complement: FANCC is on the minus strand). VCF-style: chr9-95135497-T-A. GRCh37 (hg19) VCF-style: chr9-97897779-T-A.
Other names: c.692A>T, p.Lys231Met (NM_001243743.2, NM_001243744.2); short protein forms K231M.
Identifiers: ClinVar variation 1756198 (VCV001756198.2), dbSNP rs2541404432, ClinGen allele CA374109484.